The following is an entry in ClinVar:

NM_001267550.2(TTN):c.76421del (p.Lys25474fs)

Genes: TTN-AS1 (TTN antisense RNA 1; plus strand), TTN (titin; minus strand). Cytogenetic location: 2q31.2.
Variant type: Deletion.
Coding change: c.76421del on transcript NM_001267550.2 (MANE Select); coding-DNA position 76421, one base deleted (A; older notation c.76421delA).
Protein change: p.Lys25474fs; shifts the reading frame from lysine 25474.
Molecular consequence: frameshift variant.
Genome position (GRCh38, 1-based): chr2:178,569,711, T deleted on the plus strand (A on the coding strand, the reverse complement: TTN is on the minus strand); the first of 4 consecutive T bases (chr2:178,569,711-178,569,714); deleting any one gives the same sequence. VCF-style (leftmost placement, unchanged base first): chr2-178569710-CT-C. GRCh37 (hg19) VCF-style: chr2-179434437-CT-C.
Other names: c.71498del, p.Lys23833fs (NM_001256850.1); c.49226del, p.Lys16409fs (NM_003319.4); c.68717del, p.Lys22906fs (NM_133378.4); c.49601del, p.Lys16534fs (NM_133432.3); c.49802del, p.Lys16601fs (NM_133437.4); short protein forms K22906fs, K25474fs, K16409fs, K23833fs, K16534fs, K16601fs.
Identifiers: ClinVar variation 4786965 (VCV004786965.1).

ClinVar aggregate classification (germline): Likely pathogenic (1 of 4 stars; one submission).

Conditions:
Autosomal recessive limb-girdle muscular dystrophy type 2J (LGMDR10). Also called: Limb-girdle muscular dystrophy, type 2J; MUSCULAR DYSTROPHY, LIMB-GIRDLE, AUTOSOMAL RECESSIVE 10. Identifiers: Orphanet 140922, MedGen C1837342, MONDO:0012127, OMIM 608807.
Dilated cardiomyopathy 1G (CMD1G). Identifiers: Orphanet 154, MedGen C1858763, MONDO:0011400, OMIM 604145.

Submission:

Labcorp Genetics (formerly Invitae), Labcorp
Classification: Likely pathogenic for Dilated cardiomyopathy 1G; Autosomal recessive limb-girdle muscular dystrophy type 2J. Last evaluated: 2025-12-10. Review status: criteria provided, single submitter. Criteria: Invitae Variant Classification Sherloc (09022015). Collection method: clinical testing. Allele origin: germline.
Comment: This sequence change creates a premature translational stop signal (p.Lys25474Serfs*27) in the TTN gene. While this is not anticipated to result in nonsense mediated decay, it is expected to create a truncated TTN protein. This variant is not present in population databases (gnomAD no frequency). This variant has not been reported in the literature in individuals affected with TTN-related conditions. This variant is located in the A band of TTN (PMID: 25589632). Truncating variants in this region are significantly overrepresented in patients affected with dilated cardiomyopathy (PMID: 25589632). Truncating variants in this region have also been reported in individuals affected with autosomal recessive centronuclear myopathy (PMID: 23975875). In summary, the currently available evidence indicates that the variant is pathogenic, but additional data are needed to prove that conclusively. Therefore, this variant has been classified as Likely Pathogenic.

Literature cited by the submitters: PubMed 25589632; PubMed 23975875.